The following is an entry in ClinVar:

ClinVar aggregate classification (germline): Uncertain significance. Review status: criteria provided, multiple submitters, no conflicts (2 of 4 stars). 2 submissions from 2 submitters: Uncertain significance (2). Last evaluated 2021-12-19.

Conditions:
Cardiovascular phenotype. Identifiers: MedGen CN230736.
Long QT syndrome (LQTS). Identifiers: MedGen C0023976, MeSH D008133, MONDO:0002442. Disease mechanism: loss of function. Inheritance: Various modes of inheritance.

Allele frequency attached by ClinVar (database versions not stated): TOPMed below 0.00001.
gnomAD v4.1: 3 of 1,614,040 alleles (0.00019%); highest among the groups gnomAD compares: African/African-American, 0.0013%; no homozygotes.

Submissions (2):

Labcorp Genetics (formerly Invitae), Labcorp
Classification: Uncertain significance for Long QT syndrome. Last evaluated: 2021-12-19. Review status: criteria provided, single submitter. Criteria: Invitae Variant Classification Sherloc (09022015). Collection method: clinical testing. Allele origin: germline.
Comment: Algorithms developed to predict the effect of missense changes on protein structure and function output the following: SIFT: "Tolerated"; PolyPhen-2: "Benign"; Align-GVGD: "Class C0". The serine amino acid residue is found in multiple mammalian species, which suggests that this missense change does not adversely affect protein function. In summary, the available evidence is currently insufficient to determine the role of this variant in disease. Therefore, it has been classified as a Variant of Uncertain Significance. This sequence change replaces alanine, which is neutral and non-polar, with serine, which is neutral and polar, at codon 2779 of the AKAP9 protein (p.Ala2779Ser). This variant is not present in population databases (gnomAD no frequency). ClinVar contains an entry for this variant (Variation ID: 850464). This variant has not been reported in the literature in individuals affected with AKAP9-related conditions.

Ambry Genetics
Classification: Uncertain significance for Cardiovascular phenotype. Last evaluated: 2021-12-06. Review status: criteria provided, single submitter. Criteria: Ambry Variant Classification Scheme 2023. Collection method: clinical testing. Allele origin: germline.

NM_005751.5(AKAP9):c.8335G>T (p.Ala2779Ser)

Gene: AKAP9 (A-kinase anchoring protein 9; plus strand). Cytogenetic location: 7q21.2.
Variant type: single nucleotide variant.
Coding change: c.8335G>T on transcript NM_005751.5 (MANE Select); coding-DNA position 8335, G replaced by T.
Protein change: p.Ala2779Ser; replaces alanine 2779 with serine.
Molecular consequence: missense variant.
Genome position (GRCh38, 1-based): chr7:92,083,344, G>T. VCF-style: chr7-92083344-G-T. GRCh37 (hg19) VCF-style: chr7-91712658-G-T.
Other names: c.2980G>T, p.Ala994Ser (NM_001379277.1); c.8311G>T, p.Ala2771Ser (NM_147185.3); short protein forms A2771S, A2779S, A994S.
Identifiers: ClinVar variation 850464 (VCV000850464.8), dbSNP rs1463340231, ClinGen allele CA368138614.
Genomic context (GRCh38, chr7:92,083,344, plus strand): 5'-CAAGAAAGCAAAAAGGCCTGCATGTTTGAGCCACTTCCTATAAAACTGAGTAAGAGCATT[G>T]CATCCCAGACAGATGGGACTCTGAAGATCAGTAGCAGCAATCAGACTCCACAAATTCTTG-3'
Protein context (NP_005742.4, residues 2769-2789): PLPIKLSKSI[Ala2779Ser]SQTDGTLKIS